The following is an entry in ClinVar:

ClinVar aggregate classification (germline): Uncertain significance. Review status: criteria provided, multiple submitters, no conflicts (2 of 4 stars). 2 submissions from 2 submitters: Uncertain significance (2). Last evaluated 2026-01-08.

Conditions:
Inborn genetic diseases. Identifiers: MedGen C0950123, MeSH D030342.
Familial hemophagocytic lymphohistiocytosis 5. Also called: STXBP2-Related Familial Hemophagocytic Lymphohistiocytosis (STXBP2-fHLH). Identifiers: Orphanet 540, MedGen C2751293, MONDO:0013135, OMIM 613101.

Allele frequency attached by ClinVar (database versions not stated): gnomAD 0.00001; gnomAD exomes 0.00001 and 0.00005; TOPMed 0.00003.
gnomAD v4.1: 69 of 1,553,886 alleles (0.0044%); highest among the groups gnomAD compares: Non-Finnish European, 0.0057%; no homozygotes.

Submissions (2):

Labcorp Genetics (formerly Invitae), Labcorp
Classification: Uncertain significance for Familial hemophagocytic lymphohistiocytosis 5. Last evaluated: 2026-01-08. Review status: criteria provided, single submitter. Criteria: Invitae Variant Classification Sherloc (09022015). Collection method: clinical testing. Allele origin: germline.
Comment: This sequence change replaces serine, which is neutral and polar, with asparagine, which is neutral and polar, at codon 152 of the STXBP2 protein (p.Ser152Asn). The frequency data for this variant in the population databases is considered unreliable, as metrics indicate poor data quality at this position in the gnomAD database. This variant has not been reported in the literature in individuals affected with STXBP2-related conditions. ClinVar contains an entry for this variant (Variation ID: 1351373). Invitae Evidence Modeling of protein sequence and biophysical properties (such as structural, functional, and spatial information, amino acid conservation, physicochemical variation, residue mobility, and thermodynamic stability) indicates that this missense variant is not expected to disrupt STXBP2 protein function with a negative predictive value of 95%. In summary, the available evidence is currently insufficient to determine the role of this variant in disease. Therefore, it has been classified as a Variant of Uncertain Significance.

Ambry Genetics
Classification: Uncertain significance for Inborn genetic diseases. Last evaluated: 2025-10-24. Review status: criteria provided, single submitter. Criteria: Ambry Variant Classification Scheme 2023. Collection method: clinical testing. Allele origin: germline.

NM_006949.4(STXBP2):c.455G>A (p.Ser152Asn)

Gene: STXBP2 (syntaxin binding protein 2; plus strand). Cytogenetic location: 19p13.2.
Variant type: single nucleotide variant.
Coding change: c.455G>A on transcript NM_006949.4 (MANE Select); coding-DNA position 455, G replaced by A.
Protein change: p.Ser152Asn; replaces serine 152 with asparagine.
Molecular consequence: missense variant. On other transcripts: non-coding transcript variant (1).
Genome position (GRCh38, 1-based): chr19:7,641,730, G>A. VCF-style: chr19-7641730-G-A. GRCh37 (hg19) VCF-style: chr19-7706616-G-A.
Other names: c.446G>A, p.Ser149Asn (NM_001127396.3); c.488G>A, p.Ser163Asn (NM_001272034.2); c.455G>A (NM_006949.2); short protein forms S163N, S152N, S149N.
Identifiers: ClinVar variation 1351373 (VCV001351373.5), dbSNP rs757901890, ClinGen allele CA9143665.